The following is an entry in ClinVar:

ClinVar aggregate classification (germline): Conflicting classifications of pathogenicity. Review status: criteria provided, conflicting classifications (1 of 4 stars). 7 submissions from 6 submitters: Uncertain significance (6); Likely benign (1). Last evaluated 2026-09-25.

Conditions:
Generalized epilepsy with febrile seizures plus, type 7 (GEFSP7). Also called: GEFS+, TYPE 7. Identifiers: Orphanet 36387, MedGen C2751778, MONDO:0013470, OMIM 613863.
Channelopathy-associated congenital insensitivity to pain, autosomal recessive. Also called: ASYMBOLIA FOR PAIN; CONGENITAL ANALGESIA, AUTOSOMAL RECESSIVE; Insensitivity to pain, channelopathy-associated. Identifiers: Orphanet 88642, Orphanet 970, MedGen C1855739, MONDO:0009459, OMIM 243000.
Paroxysmal extreme pain disorder (PEXPD). Also called: PAIN, SUBMANDIBULAR, OCULAR, AND RECTAL, WITH FLUSHING; RECTAL PAIN, FAMILIAL; SCN9A Paroxysmal Extreme Pain Disorder (SCN9A-PEPD). Identifiers: Orphanet 46348, MedGen C1833661, MONDO:0008179, OMIM 167400.
Severe myoclonic epilepsy in infancy (DRVT). Also called: Dravet syndrome; DEVELOPMENTAL AND EPILEPTIC ENCEPHALOPATHY 6A; SEVERE MYOCLONIC EPILEPSY OF INFANCY; Severe Myoclonic Epilepsy in Infancy (SMEI); Epileptic encephalopathy, early infantile, 6 (Dravet syndrome). Identifiers: Orphanet 33069, MedGen C0751122, MONDO:0100135, OMIM 607208.
Primary erythromelalgia. Also called: SCN9A Erythromelalgia (SCN9A-EM); primary erythermalgia. Identifiers: Orphanet 306577, Orphanet 90026, MedGen C0014805, MONDO:0007571, OMIM 133020.
SCN9A-related disorder. Also called: SCN9A-related disorders; SCN9A-related condition.
Inborn genetic diseases. Identifiers: MedGen C0950123, MeSH D030342.
Neuropathy, hereditary sensory and autonomic, type 2A (HSAN2A). Also called: ACROOSTEOLYSIS, GIACCAI TYPE; ACROOSTEOLYSIS, NEUROGENIC; HSAN IIA; WNK1-Related HSAN2 (HSAN2A); MORVAN DISEASE; NEUROPATHY, CONGENITAL SENSORY. Identifiers: Orphanet 970, MedGen C2752089, MONDO:0024309, OMIM 201300.

Allele frequency attached by ClinVar (database versions not stated): gnomAD exomes 0.00014 and 0.00005; ESP Exome Variant Server 0.00025; TOPMed 0.00044; gnomAD 0.00046; 1000 Genomes Project 0.00120; 1000 Genomes Project 30x 0.00156; ExAC 0.00014.
gnomAD v4.1: 139 of 1,612,702 alleles (0.0086%); highest among the groups gnomAD compares: African/African-American, 0.16%; no homozygotes.

Submissions (7):

PreventionGenetics, part of Exact Sciences
Classification: Uncertain significance for SCN9A-related condition. Last evaluated: 2026-09-25. Review status: criteria provided, single submitter. Criteria: ACMG Guidelines, 2015. Collection method: clinical testing. Allele origin: germline.
Comment: The SCN9A c.1277T>A variant is predicted to result in the amino acid substitution p.Met426Lys. This variant was reported in the compound heterozygous state in an individual described as having idiopathic disease; however, the specific phenotype was not provided (Table S3A, Salfati et al. 2019. PubMed ID: 31847883). This variant is reported in 0.19% of alleles in individuals of African descent in gnomAD. This variant could be benign. At this time, the clinical significance of this variant is uncertain due to the absence of conclusive functional and genetic evidence.

Labcorp Genetics (formerly Invitae), Labcorp
Classification: Likely benign for Neuropathy, hereditary sensory and autonomic, type 2A; Generalized epilepsy with febrile seizures plus, type 7. Last evaluated: 2026-01-09. Review status: criteria provided, single submitter. Criteria: Invitae Variant Classification Sherloc (09022015). Collection method: clinical testing. Allele origin: germline.

Mayo Clinic Laboratories, Mayo Clinic
Classification: Uncertain significance. Last evaluated: 2022-09-02. Review status: criteria provided, single submitter. Criteria: ACMG Guidelines, 2015. Collection method: clinical testing. Allele origin: germline. Observed: 2 variant alleles.

Ambry Genetics
Classification: Uncertain significance for Inborn genetic diseases. Last evaluated: 2021-10-22. Review status: criteria provided, single submitter. Criteria: Ambry Variant Classification Scheme 2023. Collection method: clinical testing. Allele origin: germline.
Comment: The p.M426K variant (also known as c.1277T>A), located in coding exon 9 of the SCN9A gene, results from a T to A substitution at nucleotide position 1277. The methionine at codon 426 is replaced by lysine, an amino acid with similar properties. This amino acid position is well conserved in available vertebrate species. In addition, this alteration is predicted to be deleterious by in silico analysis. Based on the supporting evidence, this variant is unlikely to be causative of primary erythermalgia/small fiber neuropathy and paroxysmal extreme pain disorder (PEPD); however, its contribution to the development of congenital insensitivity to pain (CIP) and hereditary sensory autonomic neuropathy type II (HSAN2D) is uncertain.

Center for Genomics, Ann and Robert H. Lurie Children's Hospital of Chicago
Classification: Uncertain significance for Primary erythromelalgia; Channelopathy-associated congenital insensitivity to pain, autosomal recessive; Paroxysmal extreme pain disorder. Last evaluated: 2021-03-30. Review status: criteria provided, single submitter. Criteria: ACMG Guidelines, 2015. Collection method: clinical testing. Allele origin: germline.
Comment: SCN9A NM_002977 exon 10 p.Met426Lys (c.1277T>A): This variant has not been reported in the literature but is present in 0.1% (46/24002) of African alleles in the Genome Aggregation Database. This variant is present in ClinVar (Variation ID:415032). Evolutionary conservation and computational predictive tools for this variant are unclear. In summary, data on this variant is insufficient for disease classification. Therefore, the clinical significance of this variant is uncertain.

GeneDx
Classification: Uncertain significance. Last evaluated: 2021-02-16. Review status: criteria provided, single submitter. Criteria: GeneDx Variant Classification Process June 2021. Collection method: clinical testing. Allele origin: germline. Affected: yes.
Comment: In silico analysis supports that this missense variant has a deleterious effect on protein structure/function; Has not been previously published as pathogenic or benign to our knowledge

Center for Genomics, Ann and Robert H. Lurie Children's Hospital of Chicago
Classification: Uncertain significance for Generalized epilepsy with febrile seizures plus, type 7; Primary erythromelalgia; Channelopathy-associated congenital insensitivity to pain, autosomal recessive; Paroxysmal extreme pain disorder; Severe myoclonic epilepsy in infancy. Last evaluated: 2017-10-11. Review status: criteria provided, single submitter. Criteria: ACMG Guidelines, 2015. Collection method: clinical testing. Allele origin: germline.
Comment: SCN9A NM_002977.3 exon 10 p.Met426Lys (c.1277T>A): This variant has not been reported in the literature but is present in 0.1% (46/24002) of African alleles in the Genome Aggregation Database. This variant is present in ClinVar (Variation ID:415032). Evolutionary conservation and computational predictive tools for this variant are unclear. In summary, data on this variant is insufficient for disease classification. Therefore, the clinical significance of this variant is uncertain.

NM_001365536.1(SCN9A):c.1277T>A (p.Met426Lys)

Genes: SCN1A-AS1 (SCN1A and SCN9A antisense RNA 1; plus strand), SCN9A (sodium voltage-gated channel alpha subunit 9; minus strand). Cytogenetic location: 2q24.3.
Variant type: single nucleotide variant.
Coding change: c.1277T>A on transcript NM_001365536.1 (MANE Select); coding-DNA position 1277, T replaced by A.
Protein change: p.Met426Lys; replaces methionine 426 with lysine.
Molecular consequence: missense variant.
Genome position (GRCh38, 1-based): chr2:166,288,474, A>T on the plus strand (T>A on the coding strand, the complement: SCN9A is on the minus strand). VCF-style: chr2-166288474-A-T. GRCh37 (hg19) VCF-style: chr2-167144984-A-T.
Other names: p.Met426Lys; c.1277T>A, p.Met426Lys (NM_002977.4); short protein forms M426K.
Identifiers: ClinVar variation 415032 (VCV000415032.19), dbSNP rs200415928, ClinGen allele CA1944559.